The following is an entry in ClinVar:

NM_138773.4(SLC25A46):c.276G>C (p.Gln92His)

Gene: SLC25A46 (solute carrier family 25 member 46; plus strand). Cytogenetic location: 5q22.1.
Variant type: single nucleotide variant.
Coding change: c.276G>C on transcript NM_138773.4 (MANE Select); coding-DNA position 276, G replaced by C.
Protein change: p.Gln92His; replaces glutamine 92 with histidine.
Molecular consequence: missense variant. On other transcripts: non-coding transcript variant (1), intron variant (1).
Genome position (GRCh38, 1-based): chr5:110,739,395, G>C. VCF-style: chr5-110739395-G-C. GRCh37 (hg19) VCF-style: chr5-110075096-G-C.
Other names: c.276G>C, p.Gln92His (NM_001303249.3); c.10+1148G>C (NM_001303250.3); short protein forms Q92H.
Identifiers: ClinVar variation 863163 (VCV000863163.9), dbSNP rs776022965, ClinGen allele CA3364510.

ClinVar aggregate classification (germline): Uncertain significance (1 of 4 stars; one submission).

Conditions:
Neuropathy, hereditary motor and sensory, type 6B (HMSN6B). Also called: NEUROPATHY, HEREDITARY MOTOR AND SENSORY, TYPE VIB, WITH OPTIC ATROPHY; Neuropathy, hereditary motor and sensory, type VIB; HMSN VIB; CHARCOT-MARIE-TOOTH DISEASE, TYPE 6B. Identifiers: MedGen C4225302, MONDO:0014671, OMIM 616505.

Allele frequency attached by ClinVar (database versions not stated): gnomAD exomes 0.00001 and 0.00008; TOPMed 0.00002; ExAC 0.00012.
gnomAD v4.1: 15 of 1,543,070 alleles (0.00097%); highest among the groups gnomAD compares: Admixed American, 0.023%; no homozygotes.

Submission:

Labcorp Genetics (formerly Invitae), Labcorp
Classification: Uncertain significance for Neuropathy, hereditary motor and sensory, type 6B. Last evaluated: 2025-02-10. Review status: criteria provided, single submitter. Criteria: Invitae Variant Classification Sherloc (09022015). Collection method: clinical testing. Allele origin: germline.
Comment: This sequence change replaces glutamine, which is neutral and polar, with histidine, which is basic and polar, at codon 92 of the SLC25A46 protein (p.Gln92His). This variant is present in population databases (rs776022965, gnomAD 0.04%). This variant has not been reported in the literature in individuals affected with SLC25A46-related conditions. ClinVar contains an entry for this variant (Variation ID: 863163). An algorithm developed to predict the effect of missense changes on protein structure and function (PolyPhen-2) suggests that this variant is likely to be tolerated. In summary, the available evidence is currently insufficient to determine the role of this variant in disease. Therefore, it has been classified as a Variant of Uncertain Significance.